The following is an entry in ClinVar:

NM_003283.6(TNNT1):c.370C>T (p.Arg124Cys)

Gene: TNNT1 (troponin T1, slow skeletal type; minus strand). Cytogenetic location: 19q13.42.
Variant type: single nucleotide variant.
Coding change: c.370C>T on transcript NM_003283.6 (MANE Select); coding-DNA position 370, C replaced by T.
Protein change: p.Arg124Cys; replaces arginine 124 with cysteine.
Molecular consequence: missense variant.
Genome position (GRCh38, 1-based): chr19:55,140,900, G>A on the plus strand (C>T on the coding strand, the complement: TNNT1 is on the minus strand). VCF-style: chr19-55140900-G-A. GRCh37 (hg19) VCF-style: chr19-55652268-G-A.
Other names: c.370C>T, p.Arg124Cys (NM_001126132.3); c.337C>T, p.Arg113Cys (NM_001126133.3, NM_001291774.2); short protein forms R113C, R124C.
Identifiers: ClinVar variation 864639 (VCV000864639.9), dbSNP rs2085439112, ClinGen allele CA407434897.

ClinVar aggregate classification (germline): Uncertain significance (1 of 4 stars; one submission).

Conditions:
Nemaline myopathy 5 (NEM5A). Also called: NEMALINE MYOPATHY 5A, AUTOSOMAL RECESSIVE, SEVERE INFANTILE; NEMALINE MYOPATHY, AMISH TYPE; Nemaline myopathy 5, Amish type. Identifiers: Orphanet 98902, MedGen C1854380, MONDO:0011539, OMIM 605355.

Allele frequency attached by ClinVar (database versions not stated): TOPMed below 0.00001.
gnomAD v4.1: 1 of 1,613,744 alleles (0.000062%); highest among the groups gnomAD compares: Non-Finnish European, 0.000085%; no homozygotes.

Submission:

Labcorp Genetics (formerly Invitae), Labcorp
Classification: Uncertain significance for Nemaline myopathy 5. Last evaluated: 2019-12-29. Review status: criteria provided, single submitter. Criteria: Invitae Variant Classification Sherloc (09022015). Collection method: clinical testing. Allele origin: germline.
Comment: This variant has not been reported in the literature in individuals with TNNT1-related conditions. In summary, the available evidence is currently insufficient to determine the role of this variant in disease. Therefore, it has been classified as a Variant of Uncertain Significance. Algorithms developed to predict the effect of missense changes on protein structure and function (SIFT, PolyPhen-2, Align-GVGD) all suggest that this variant is likely to be disruptive, but these predictions have not been confirmed by published functional studies and their clinical significance is uncertain. This variant is not present in population databases (ExAC no frequency). This sequence change replaces arginine with cysteine at codon 124 of the TNNT1 protein (p.Arg124Cys). The arginine residue is highly conserved and there is a large physicochemical difference between arginine and cysteine.